The following is an entry in ClinVar:

ClinVar aggregate classification (germline): Uncertain significance. Review status: criteria provided, multiple submitters, no conflicts (2 of 4 stars). 2 submissions from 2 submitters: Uncertain significance (2). Last evaluated 2024-11-03.

Conditions:
Cardiovascular phenotype. Identifiers: MedGen CN230736.

gnomAD v4.1: 16 of 1,613,906 alleles (0.00099%); highest among the groups gnomAD compares: Middle Eastern, 0.016%; no homozygotes.

Submissions (2):

Ambry Genetics
Classification: Uncertain significance for Cardiovascular phenotype. Last evaluated: 2024-11-03. Review status: criteria provided, single submitter. Criteria: Ambry Variant Classification Scheme 2023. Collection method: clinical testing. Allele origin: germline.
Comment: The p.R310Q variant (also known as c.929G>A), located in coding exon 5 of the EPHB4 gene, results from a G to A substitution at nucleotide position 929. The arginine at codon 310 is replaced by glutamine, an amino acid with highly similar properties. This amino acid position is conserved. In addition, this alteration is predicted to be deleterious by in silico analysis. Based on the available evidence, the clinical significance of this variant remains unclear.

Blueprint Genetics
Classification: Uncertain significance. Last evaluated: 2024-01-19. Review status: criteria provided, single submitter. Criteria: ACMG Guidelines, 2015. Collection method: clinical testing. Allele origin: germline.

NM_004444.5(EPHB4):c.929G>A (p.Arg310Gln)

Gene: EPHB4 (EPH receptor B4; minus strand). Cytogenetic location: 7q22.1.
Variant type: single nucleotide variant.
Coding change: c.929G>A on transcript NM_004444.5 (MANE Select); coding-DNA position 929, G replaced by A.
Protein change: p.Arg310Gln; replaces arginine 310 with glutamine.
Molecular consequence: missense variant.
Genome position (GRCh38, 1-based): chr7:100,820,176, C>T on the plus strand (G>A on the coding strand, the complement: EPHB4 is on the minus strand). VCF-style: chr7-100820176-C-T. GRCh37 (hg19) VCF-style: chr7-100417798-C-T.
Other names: short protein forms R310Q.
Identifiers: ClinVar variation 3509377 (VCV003509377.2).